The following is an entry in ClinVar:

NM_014251.3(SLC25A13):c.934-30T>C

Gene: SLC25A13 (solute carrier family 25 member 13; minus strand). Cytogenetic location: 7q21.3.
Variant type: single nucleotide variant.
Coding change: c.934-30T>C on transcript NM_014251.3 (MANE Select); 30 bases into the intron before coding-DNA position 934, T replaced by C.
Molecular consequence: intron variant.
Genome position (GRCh38, 1-based): chr7:96,185,041, A>G on the plus strand (T>C on the coding strand, the complement: SLC25A13 is on the minus strand). VCF-style: chr7-96185041-A-G. GRCh37 (hg19) VCF-style: chr7-95814353-A-G.
Other names: p.?; c.934-27T>C (NM_001160210.2).
Identifiers: ClinVar variation 4683296 (VCV004683296.1).

ClinVar aggregate classification (germline): Likely benign (1 of 4 stars; one submission).

gnomAD v4.1: 15 of 1,568,428 alleles (0.00096%); highest among the groups gnomAD compares: African/African-American, 0.0027%; no homozygotes.

Submission:

Mayo Clinic Laboratories, Mayo Clinic
Classification: Likely benign. Last evaluated: 2025-02-25. Review status: criteria provided, single submitter. Criteria: ACMG Guidelines, 2015. Collection method: clinical testing. Allele origin: germline. Observed: 1 variant allele.
Comment: BP4, BP7